The following is an entry in ClinVar:

ClinVar aggregate classification (germline): Uncertain significance (1 of 4 stars; one submission).

Conditions:
Nephronophthisis. Also called: Juvenile Nephronophthisis. Identifiers: Orphanet 655, MedGen C0687120, MONDO:0019005, HP:0000090.

Submission:

Labcorp Genetics (formerly Invitae), Labcorp
Classification: Uncertain significance for Nephronophthisis. Last evaluated: 2026-01-13. Review status: criteria provided, single submitter. Criteria: Invitae Variant Classification Sherloc (09022015). Collection method: clinical testing. Allele origin: germline.
Comment: This variant, c.873_890del, results in the deletion of 6 amino acid(s) of the NPHP4 protein (p.His292_Phe297del), but otherwise preserves the integrity of the reading frame. This variant is not present in population databases (gnomAD no frequency). This variant has not been reported in the literature in individuals affected with NPHP4-related conditions. ClinVar contains an entry for this variant (Variation ID: 1944806). Experimental studies and prediction algorithms are not available or were not evaluated, and the functional significance of this variant is currently unknown. In summary, the available evidence is currently insufficient to determine the role of this variant in disease. Therefore, it has been classified as a Variant of Uncertain Significance.

NM_015102.5(NPHP4):c.873_890del (p.His292_Phe297del)

Gene: NPHP4 (nephrocystin 4; minus strand). Cytogenetic location: 1p36.31.
Variant type: Deletion.
Coding change: c.873_890del on transcript NM_015102.5 (MANE Select); coding-DNA positions 873 to 890, 18 bases deleted (GCACAATGGTCTGGGCTT).
Protein change: p.His292_Phe297del.
Molecular consequence: inframe deletion. On other transcripts: 5 prime UTR variant (2), non-coding transcript variant (1).
Genome position (GRCh38, 1-based): chr1:5,948,172-5,948,189, AAGCCCAGACCATTGTGC deleted on the plus strand (GCACAATGGTCTGGGCTT on the coding strand, the reverse complement: NPHP4 is on the minus strand); deleting any 18 consecutive bases within chr1:5,948,172-5,948,190 gives the same sequence; the c. name uses the placement nearest the transcript's 3' end. VCF-style (leftmost placement, unchanged base first): chr1-5948171-GAAGCCCAGACCATTGTGC-G. GRCh37 (hg19) VCF-style: chr1-6008231-GAAGCCCAGACCATTGTGC-G.
Other names: c.-494_-477del (NM_001291593.2, NM_001291594.2).
Identifiers: ClinVar variation 1944806 (VCV001944806.5), dbSNP rs1372931133, ClinGen allele CA737411125.